The following is an entry in ClinVar:

ClinVar aggregate classification (germline): Uncertain significance (1 of 4 stars; one submission).

Conditions:
Alpha thalassemia-X-linked intellectual disability syndrome (ATRX). Also called: ALPHA-THALASSEMIA/MENTAL RETARDATION SYNDROME, X-LINKED; ATR, NONDELETION TYPE; ATR-X syndrome; Alpha thalassemia mental retardation syndrome, nondeletion type, X-linked; XLMR hypotonic face syndrome; X-linked alpha-thalassemia-mental retardation syndrome. Identifiers: Orphanet 847, MedGen C1845055, MONDO:0010519, OMIM 301040.

Submission:

Labcorp Genetics (formerly Invitae), Labcorp
Classification: Uncertain significance for Alpha thalassemia-X-linked intellectual disability syndrome. Last evaluated: 2023-12-27. Review status: criteria provided, single submitter. Criteria: Invitae Variant Classification Sherloc (09022015). Collection method: clinical testing. Allele origin: germline.
Comment: This sequence change replaces asparagine, which is neutral and polar, with serine, which is neutral and polar, at codon 1165 of the ATRX protein (p.Asn1165Ser). This variant is not present in population databases (gnomAD no frequency). This variant has not been reported in the literature in individuals affected with ATRX-related conditions. Advanced modeling of protein sequence and biophysical properties (such as structural, functional, and spatial information, amino acid conservation, physicochemical variation, residue mobility, and thermodynamic stability) performed at Invitae indicates that this missense variant is not expected to disrupt ATRX protein function with a negative predictive value of 95%. In summary, the available evidence is currently insufficient to determine the role of this variant in disease. Therefore, it has been classified as a Variant of Uncertain Significance.

NM_000489.6(ATRX):c.3494A>G (p.Asn1165Ser)

Gene: ATRX (ATRX chromatin remodeler; minus strand). Cytogenetic location: Xq21.1.
Variant type: single nucleotide variant.
Coding change: c.3494A>G on transcript NM_000489.6 (MANE Select); coding-DNA position 3494, A replaced by G.
Protein change: p.Asn1165Ser; replaces asparagine 1165 with serine.
Molecular consequence: missense variant.
Genome position (GRCh38, 1-based): chrX:77,681,762, T>C on the plus strand (A>G on the coding strand, the complement: ATRX is on the minus strand). VCF-style: chrX-77681762-T-C. GRCh37 (hg19) VCF-style: chrX-76937254-T-C.
Other names: c.3380A>G, p.Asn1127Ser (NM_138270.5); short protein forms N1127S, N1165S.
Identifiers: ClinVar variation 2891963 (VCV002891963.3), dbSNP rs2519893678, ClinGen allele CA413706370.